The following is an entry in ClinVar:

NM_004247.4(EFTUD2):c.1084A>G (p.Thr362Ala)

Gene: EFTUD2 (elongation factor Tu GTP binding domain containing 2; minus strand). Cytogenetic location: 17q21.31.
Variant type: single nucleotide variant.
Coding change: c.1084A>G on transcript NM_004247.4 (MANE Select); coding-DNA position 1084, A replaced by G.
Protein change: p.Thr362Ala; replaces threonine 362 with alanine.
Molecular consequence: missense variant.
Genome position (GRCh38, 1-based): chr17:44,867,872, T>C on the plus strand (A>G on the coding strand, the complement: EFTUD2 is on the minus strand). VCF-style: chr17-44867872-T-C. GRCh37 (hg19) VCF-style: chr17-42945240-T-C.
Other names: c.1054A>G, p.Thr352Ala (NM_001258354.2); c.1084A>G (NM_004247.3); c.979A>G, p.Thr327Ala (NM_001142605.2); c.1084A>G, p.Thr362Ala (NM_001258353.2); short protein forms T327A, T352A, T362A.
Identifiers: ClinVar variation 2963648 (VCV002963648.4), dbSNP rs1192253324, ClinGen allele CA399816069.

ClinVar aggregate classification (germline): Uncertain significance. Review status: criteria provided, multiple submitters, no conflicts (2 of 4 stars). 2 submissions from 2 submitters: Uncertain significance (2). Last evaluated 2025-04-06.

Conditions:
Inborn genetic diseases. Identifiers: MedGen C0950123, MeSH D030342.

Allele frequency attached by ClinVar (database versions not stated): TOPMed below 0.00001; gnomAD 0.00001; gnomAD exomes 0.00001.
gnomAD v4.1: 4 of 1,603,184 alleles (0.00025%); highest among the groups gnomAD compares: Non-Finnish European, 0.00034%; no homozygotes.

Submissions (2):

Ambry Genetics
Classification: Uncertain significance for Inborn genetic diseases. Last evaluated: 2025-04-06. Review status: criteria provided, single submitter. Criteria: Ambry Variant Classification Scheme 2023. Collection method: clinical testing. Allele origin: germline.

Labcorp Genetics (formerly Invitae), Labcorp
Classification: Uncertain significance. Last evaluated: 2023-04-07. Review status: criteria provided, single submitter. Criteria: Invitae Variant Classification Sherloc (09022015). Collection method: clinical testing. Allele origin: germline.
Comment: In summary, the available evidence is currently insufficient to determine the role of this variant in disease. Therefore, it has been classified as a Variant of Uncertain Significance. This sequence change replaces threonine, which is neutral and polar, with alanine, which is neutral and non-polar, at codon 362 of the EFTUD2 protein (p.Thr362Ala). The frequency data for this variant in the population databases is considered unreliable, as metrics indicate poor data quality at this position in the gnomAD database. This variant has not been reported in the literature in individuals affected with EFTUD2-related conditions. Advanced modeling of protein sequence and biophysical properties (such as structural, functional, and spatial information, amino acid conservation, physicochemical variation, residue mobility, and thermodynamic stability) performed at Invitae indicates that this missense variant is not expected to disrupt EFTUD2 protein function.